The following is an entry in ClinVar:

NM_001184880.2(PCDH19):c.3002A>G (p.Asp1001Gly)

Gene: PCDH19 (protocadherin 19; minus strand). Cytogenetic location: Xq22.1.
Variant type: single nucleotide variant.
Coding change: c.3002A>G on transcript NM_001184880.2 (MANE Select); coding-DNA position 3002, A replaced by G.
Protein change: p.Asp1001Gly; replaces aspartic acid 1001 with glycine.
Molecular consequence: missense variant.
Genome position (GRCh38, 1-based): chrX:100,296,722, T>C on the plus strand (A>G on the coding strand, the complement: PCDH19 is on the minus strand). VCF-style: chrX-100296722-T-C. GRCh37 (hg19) VCF-style: chrX-99551720-T-C.
Other names: c.2861A>G, p.Asp954Gly (NM_001105243.2); c.2858A>G, p.Asp953Gly (NM_020766.3); short protein forms D1001G, D953G, D954G.
Identifiers: ClinVar variation 1020619 (VCV001020619.9), dbSNP rs1924624840, ClinGen allele CA414000664.

ClinVar aggregate classification (germline): Uncertain significance (1 of 4 stars; one submission).

Conditions:
Developmental and epileptic encephalopathy, 9 (DEE9). Also called: Early infantile epileptic encephalopathy 9; EPILEPSY, FEMALE-RESTRICTED, WITH MENTAL RETARDATION; JUBERG-HELLMAN SYNDROME; PCDH19-Related X-Linked Female-Limited Epilepsy with Mental Retardation. Identifiers: Orphanet 101039, Orphanet 2076, MedGen C1848137, MONDO:0010246, OMIM 300088. Disease mechanism: loss of function.

Submission:

Labcorp Genetics (formerly Invitae), Labcorp
Classification: Uncertain significance for Developmental and epileptic encephalopathy, 9. Last evaluated: 2020-08-27. Review status: criteria provided, single submitter. Criteria: Invitae Variant Classification Sherloc (09022015). Collection method: clinical testing. Allele origin: germline.
Comment: Advanced modeling of protein sequence and biophysical properties (such as structural, functional, and spatial information, amino acid conservation, physicochemical variation, residue mobility, and thermodynamic stability) performed at Invitae indicates that this missense variant is not expected to disrupt PCDH19 protein function. This sequence change replaces aspartic acid with glycine at codon 1001 of the PCDH19 protein (p.Asp1001Gly). The aspartic acid residue is highly conserved and there is a moderate physicochemical difference between aspartic acid and glycine. This variant is not present in population databases (ExAC no frequency). This variant has not been reported in the literature in individuals with PCDH19-related conditions. In summary, the available evidence is currently insufficient to determine the role of this variant in disease. Therefore, it has been classified as a Variant of Uncertain Significance.